The following is an entry in ClinVar:

ClinVar aggregate classification (germline): Uncertain significance (1 of 4 stars; one submission).

Conditions:
Charcot-Marie-Tooth disease type 2. Also called: Charcot-Marie-Tooth type 2. Identifiers: Orphanet 64746, MedGen C0270914, MONDO:0018993.

Submission:

Labcorp Genetics (formerly Invitae), Labcorp
Classification: Uncertain significance for Charcot-Marie-Tooth disease type 2. Last evaluated: 2022-07-12. Review status: criteria provided, single submitter. Criteria: Invitae Variant Classification Sherloc (09022015). Collection method: clinical testing. Allele origin: germline.
Comment: In summary, the available evidence is currently insufficient to determine the role of this variant in disease. Therefore, it has been classified as a Variant of Uncertain Significance. Algorithms developed to predict the effect of missense changes on protein structure and function are either unavailable or do not agree on the potential impact of this missense change (SIFT: "Deleterious"; PolyPhen-2: "Probably Damaging"; Align-GVGD: "Class C0"). ClinVar contains an entry for this variant (Variation ID: 1474726). This variant has not been reported in the literature in individuals affected with LMNA-related conditions. This variant is not present in population databases (gnomAD no frequency). This sequence change replaces leucine, which is neutral and non-polar, with methionine, which is neutral and non-polar, at codon 204 of the LMNA protein (p.Leu204Met).

NM_170707.4(LMNA):c.610C>A (p.Leu204Met)

Gene: LMNA (lamin A/C; plus strand). Cytogenetic location: 1q22.
Variant type: single nucleotide variant.
Coding change: c.610C>A on transcript NM_170707.4 (MANE Select); coding-DNA position 610, C replaced by A.
Protein change: p.Leu204Met; replaces leucine 204 with methionine.
Molecular consequence: missense variant.
Genome position (GRCh38, 1-based): chr1:156,134,499, C>A. VCF-style: chr1-156134499-C-A. GRCh37 (hg19) VCF-style: chr1-156104290-C-A.
Other names: c.274C>A, p.Leu92Met (NM_001257374.3); c.367C>A, p.Leu123Met (NM_001282624.2); c.610C>A, p.Leu204Met (NM_001282625.2, NM_001282626.2, NM_005572.4 and 1 more transcripts); short protein forms L204M, L123M, L92M.
Identifiers: ClinVar variation 1474726 (VCV001474726.8), dbSNP rs1553265177, ClinGen allele CA342817032.